The following is an entry in ClinVar:

NM_005337.5(NCKAP1L):c.1033C>T (p.Arg345Trp)

Gene: NCKAP1L (NCK associated protein 1 like; plus strand). Cytogenetic location: 12q13.2.
Variant type: single nucleotide variant.
Coding change: c.1033C>T on transcript NM_005337.5 (MANE Select); coding-DNA position 1033, C replaced by T.
Protein change: p.Arg345Trp; replaces arginine 345 with tryptophan.
Molecular consequence: missense variant.
Genome position (GRCh38, 1-based): chr12:54,516,930, C>T. VCF-style: chr12-54516930-C-T. GRCh37 (hg19) VCF-style: chr12-54910714-C-T.
Other names: c.883C>T, p.Arg295Trp (NM_001184976.2); short protein forms R295W, R345W.
Identifiers: ClinVar variation 3609949 (VCV003609949.2).

ClinVar aggregate classification (germline): Uncertain significance (1 of 4 stars; one submission).

gnomAD v4.1: 9 of 1,611,996 alleles (0.00056%); highest among the groups gnomAD compares: East Asian, 0.0022%; no homozygotes.

Submission:

Labcorp Genetics (formerly Invitae), Labcorp
Classification: Uncertain significance. Last evaluated: 2024-06-25. Review status: criteria provided, single submitter. Criteria: Invitae Variant Classification Sherloc (09022015). Collection method: clinical testing. Allele origin: germline.
Comment: This sequence change replaces arginine, which is basic and polar, with tryptophan, which is neutral and slightly polar, at codon 345 of the NCKAP1L protein (p.Arg345Trp). This variant is present in population databases (rs756444750, gnomAD 0.01%). This variant has not been reported in the literature in individuals affected with NCKAP1L-related conditions. An algorithm developed to predict the effect of missense changes on protein structure and function (PolyPhen-2) suggests that this variant is likely to be disruptive. In summary, the available evidence is currently insufficient to determine the role of this variant in disease. Therefore, it has been classified as a Variant of Uncertain Significance.